The following is an entry in ClinVar:

ClinVar aggregate classification (germline): Pathogenic (1 of 4 stars; one submission).

Conditions:
Charcot-Marie-Tooth disease type 2. Also called: Charcot-Marie-Tooth type 2. Identifiers: Orphanet 64746, MedGen C0270914, MONDO:0018993.

Submission:

Labcorp Genetics (formerly Invitae), Labcorp
Classification: Pathogenic for Charcot-Marie-Tooth disease type 2. Last evaluated: 2021-11-06. Review status: criteria provided, single submitter. Criteria: Invitae Variant Classification Sherloc (09022015). Collection method: clinical testing. Allele origin: germline.
Comment: This variant is a gross deletion of the genomic region encompassing exon(s) 2-11 of the LMNA gene. While this deletion is not anticipated to lead to nonsense mediated decay, it is expected to disrupt the C-terminus of the protein. This variant has not been reported in the literature in individuals affected with LMNA-related conditions. This variant disrupts a region of the LMNA protein in which other variant(s) (p.Arg453Trp) have been determined to be pathogenic (PMID: 18396274, 20980393, 21173262, 22326558, 24642510). This suggests that this is a clinically significant region of the protein, and that variants that disrupt it are likely to be disease-causing. For these reasons, this variant has been classified as Pathogenic.

Literature cited by the submitters: PubMed 18396274; PubMed 20980393; PubMed 21173262; PubMed 22326558; PubMed 24642510.

NC_000001.10:g.(?_156100388)_(156108568_?)del

Gene: LMNA (lamin A/C; plus strand). Cytogenetic location: 1q22.
Variant type: Deletion.
Identifiers: ClinVar variation 2427461 (VCV002427461.4).